The following is an entry in ClinVar:

NM_033637.4(BTRC):c.377T>C (p.Leu126Pro)

Gene: BTRC (beta-transducin repeat containing E3 ubiquitin protein ligase; plus strand). Cytogenetic location: 10q24.32.
Variant type: single nucleotide variant.
Coding change: c.377T>C on transcript NM_033637.4 (MANE Select); coding-DNA position 377, T replaced by C.
Protein change: p.Leu126Pro; replaces leucine 126 with proline.
Molecular consequence: missense variant.
Genome position (GRCh38, 1-based): chr10:101,521,691, T>C. VCF-style: chr10-101521691-T-C. GRCh37 (hg19) VCF-style: chr10-103281448-T-C.
Other names: c.299T>C, p.Leu100Pro (NM_001256856.2); c.269T>C, p.Leu90Pro (NM_003939.5); short protein forms L100P, L126P, L90P.
Identifiers: ClinVar variation 4712665 (VCV004712665.1).

ClinVar aggregate classification (germline): Uncertain significance (1 of 4 stars; one submission).

Submission:

Labcorp Genetics (formerly Invitae), Labcorp
Classification: Uncertain significance. Last evaluated: 2025-02-16. Review status: criteria provided, single submitter. Criteria: Invitae Variant Classification Sherloc (09022015). Collection method: clinical testing. Allele origin: germline.
Comment: This sequence change replaces leucine, which is neutral and non-polar, with proline, which is neutral and non-polar, at codon 126 of the BTRC protein (p.Leu126Pro). This variant is not present in population databases (gnomAD no frequency). This variant has not been reported in the literature in individuals affected with BTRC-related conditions. An algorithm developed to predict the effect of missense changes on protein structure and function (PolyPhen-2) suggests that this variant is likely to be tolerated. In summary, the available evidence is currently insufficient to determine the role of this variant in disease. Therefore, it has been classified as a Variant of Uncertain Significance.